The following is an entry in ClinVar:

ClinVar aggregate classification (germline): Conflicting classifications of pathogenicity. Review status: criteria provided, conflicting classifications (1 of 4 stars). 3 submissions from 3 submitters: Pathogenic (1); Likely pathogenic (1); Uncertain significance (1). Last evaluated 2023-12-27.

Conditions:
Hereditary cancer-predisposing syndrome. Also called: Tumor predisposition; Hereditary Cancer Syndrome; Neoplastic Syndromes, Hereditary; Hereditary neoplastic syndrome. Identifiers: Orphanet 140162, MedGen C0027672, MeSH D009386, MONDO:0015356.
Lynch syndrome 4 (LYNCH4). Also called: Colorectal cancer, hereditary nonpolyposis, type 4; Hereditary non-polyposis colorectal cancer, type 4. Identifiers: Orphanet 144, MedGen C1838333, MONDO:0013699, OMIM 614337. Disease mechanism: loss of function.

Submissions (3):

Myriad Genetics, Inc.
Classification: Likely pathogenic for Lynch syndrome 4. Last evaluated: 2023-12-27. Review status: criteria provided, single submitter. Criteria: Myriad Autosomal Dominant, Autosomal Recessive and X-Linked Classification Criteria (2023). Collection method: clinical testing. Allele origin: unknown.
Comment: This variant is considered likely pathogenic. This variant creates a frameshift predicted to result in premature protein truncation.

Quest Diagnostics Nichols Institute San Juan Capistrano
Classification: Uncertain significance. Last evaluated: 2022-11-22. Review status: criteria provided, single submitter. Criteria: Quest Diagnostics criteria. Collection method: clinical testing. Allele origin: unknown.
Comment: This frameshift variant is predicted to create a premature stop codon within the last exon of PMS2 gene, thus it is not expected to undergo nonsense mediated decay. The physiological effects of the resulting disruption of the last 18 amino acids of the PMS2 protein are also unclear. This variant has not been reported in the published literature. It also has not been reported in large, multi-ethnic general populations. Based on the available information, we are unable to determine the clinical significance of this variant.

Ambry Genetics
Classification: Pathogenic for Hereditary cancer-predisposing syndrome. Last evaluated: 2022-01-26. Review status: criteria provided, single submitter. Criteria: Ambry Variant Classification Scheme 2023. Collection method: clinical testing. Allele origin: germline.
Comment: The c.2534delA pathogenic mutation, located in coding exon 15 of the PMS2 gene, results from a deletion of one nucleotide at nucleotide position 2534, causing a translational frameshift with a predicted alternate stop codon (p.H845Lfs*6). This alteration occurs at the 3' terminus of thePMS2 gene, is not expected to trigger nonsense-mediated mRNA decay, and only impacts the last 18 amino acids of the protein. However, premature stop codons are typically deleterious in nature and the impacted region is critical for protein function (Ambry internal data). This variant is considered to be rare based on population cohorts in the Genome Aggregation Database (gnomAD). Based on the supporting evidence, this alteration is interpreted as a disease-causing mutation.

NM_000535.7(PMS2):c.2534del (p.His845fs)

Gene: PMS2 (PMS1 homolog 2, mismatch repair system component; minus strand). Cytogenetic location: 7p22.1.
Variant type: Deletion.
Coding change: c.2534del on transcript NM_000535.7 (MANE Select); coding-DNA position 2534, one base deleted (A; older notation c.2534delA).
Protein change: p.His845fs; shifts the reading frame from histidine 845.
Molecular consequence: frameshift variant. On other transcripts: non-coding transcript variant (1).
Genome position (GRCh38, 1-based): chr7:5,973,454, T deleted on the plus strand (A on the coding strand, the reverse complement: PMS2 is on the minus strand). VCF-style (leftmost placement, unchanged base first): chr7-5973453-AT-A. GRCh37 (hg19) VCF-style: chr7-6013084-AT-A.
Other names: c.2567del, p.His856fs (NM_001322014.2); c.2225del, p.His742fs (NM_001322015.2); c.2720delA, p.His907Leufs (NM_001406866.1); c.2558delA, p.His853Leufs (NM_001406868.1); c.2426delA, p.His809Leufs (NM_001406869.1); c.2411delA, p.His804Leufs (NM_001406870.1); c.2390delA, p.His797Leufs (NM_001406871.1); c.2129delA, p.His710Leufs (NM_001018040.1, NM_001406889.1, NM_001406890.1 and 9 more transcripts); and 27 more; short protein forms H658fs, H710fs, H845fs, H739fs, H856fs, H654fs, H793fs, H534fs.
Identifiers: ClinVar variation 1792738 (VCV001792738.3), dbSNP rs2535184381, ClinGen allele CA2580076759.
Genomic context (GRCh38, chr7:5,973,453, plus strand): 5'-CTACGGTCAGTTCTGAGAAATGACACCCAGGTTGGCGATGTGTCTCATGGTTGGCCTTCC[AT>A]GGGGACAGTTCCAGGGGTGGTCCATCTCCCCCATGTGGGTGATCAGTTTCTTCATCTCGC-3'